The following is an entry in ClinVar:

ClinVar aggregate classification (germline): Likely benign. Review status: criteria provided, single submitter (1 of 4 stars). 2 submissions from 2 submitters: Likely benign (1). 1 of the submissions does not count toward it. Last evaluated 2026-01-22.

Conditions:
CCDC65-related disorder. Also called: CCDC65-related condition.
Primary ciliary dyskinesia 27. Also called: CILIARY DYSKINESIA, PRIMARY, 27, WITHOUT SITUS INVERSUS. Identifiers: Orphanet 244, MedGen C3809701, MONDO:0014215, OMIM 615504.

Allele frequency attached by ClinVar (database versions not stated): 1000 Genomes Project 0.00020; gnomAD exomes 0.00008 and 0.00022; gnomAD 0.00080 and 0.00088; 1000 Genomes Project 30x 0.00016; TOPMed 0.00102; ExAC 0.00027; ESP Exome Variant Server 0.00123.
gnomAD v4.1: 250 of 1,612,264 alleles (0.016%); highest among the groups gnomAD compares: African/African-American, 0.25%; 1 homozygote.

Submissions (2):

Labcorp Genetics (formerly Invitae), Labcorp
Classification: Likely benign for Primary ciliary dyskinesia 27. Last evaluated: 2026-01-22. Review status: criteria provided, single submitter. Criteria: Invitae Variant Classification Sherloc (09022015). Collection method: clinical testing. Allele origin: germline.

PreventionGenetics, part of Exact Sciences
Classification: Likely benign for CCDC65-related condition. Last evaluated: 2023-10-03. Review status: no assertion criteria provided. Collection method: clinical testing. Allele origin: germline. Not counted in ClinVar's aggregate classification.
Comment: This variant is classified as likely benign based on ACMG/AMP sequence variant interpretation guidelines (Richards et al. 2015 PMID: 25741868, with internal and published modifications).

NM_033124.5(DRC2):c.1016T>C (p.Ile339Thr)

Gene: DRC2 (dynein regulatory complex subunit 2; plus strand). Cytogenetic location: 12q13.12.
Variant type: single nucleotide variant.
Coding change: c.1016T>C on transcript NM_033124.5 (MANE Select); coding-DNA position 1016, T replaced by C.
Protein change: p.Ile339Thr; replaces isoleucine 339 with threonine.
Molecular consequence: missense variant.
Genome position (GRCh38, 1-based): chr12:48,918,893, T>C. VCF-style: chr12-48918893-T-C. GRCh37 (hg19) VCF-style: chr12-49312676-T-C.
Other names: c.587T>C, p.Ile196Thr (NM_001286957.2); short protein forms I196T, I339T.
Identifiers: ClinVar variation 696195 (VCV000696195.13), dbSNP rs139325778, ClinGen allele CA6543402.